The following is an entry in ClinVar:

ClinVar aggregate classification (germline): Uncertain significance (1 of 4 stars; one submission).

Submission:

Labcorp Genetics (formerly Invitae), Labcorp
Classification: Uncertain significance. Last evaluated: 2025-12-13. Review status: criteria provided, single submitter. Criteria: Invitae Variant Classification Sherloc (09022015). Collection method: clinical testing. Allele origin: germline.
Comment: This sequence change replaces serine, which is neutral and polar, with asparagine, which is neutral and polar, at codon 293 of the ICOSLG protein (p.Ser293Asn). This variant is present in population databases (rs764421097, gnomAD 0.03%). This variant has not been reported in the literature in individuals affected with ICOSLG-related conditions. An algorithm developed to predict the effect of missense changes on protein structure and function (PolyPhen-2) suggests that this variant is likely to be tolerated. In summary, the available evidence is currently insufficient to determine the role of this variant in disease. Therefore, it has been classified as a Variant of Uncertain Significance.

NM_015259.6(ICOSLG):c.878G>A (p.Ser293Asn)

Gene: ICOSLG (inducible T cell costimulator ligand; minus strand). Cytogenetic location: 21q22.3.
Variant type: single nucleotide variant.
Coding change: c.878G>A on transcript NM_015259.6 (MANE Select); coding-DNA position 878, G replaced by A.
Protein change: p.Ser293Asn; replaces serine 293 with asparagine.
Molecular consequence: missense variant.
Genome position (GRCh38, 1-based): chr21:44,230,074, C>T on the plus strand (G>A on the coding strand, the complement: ICOSLG is on the minus strand). VCF-style: chr21-44230074-C-T. GRCh37 (hg19) VCF-style: chr21-45649957-C-T.
Other names: c.878G>A, p.Ser293Asn (NM_001283050.2, NM_001395918.1); c.527G>A, p.Ser176Asn (NM_001283051.2); c.623G>A, p.Ser208Asn (NM_001283052.2); c.797G>A, p.Ser266Asn (NM_001365759.2); short protein forms S176N, S293N, S208N, S266N.
Identifiers: ClinVar variation 4746231 (VCV004746231.1).
Genomic context (GRCh38, chr21:44,230,074, plus strand): 5'-TGGGCCCCCCAGAACCTGCTGCTTCCCACGGCAAACTCACCAGTGAGCTCTGTCTCCGGA[C>T]TCACAGCCCAGGCACCTGGAGGACAAACCAAAATGGTCAGGGCAGCAGCGATGGGGGGTG-3'
Protein context (NP_056074.1, residues 283-302): QHSYAGAWAV[Ser293Asn]PETELTGHV